The following is an entry in ClinVar:

ClinVar aggregate classification (germline): Uncertain significance (1 of 4 stars; one submission).

Conditions:
Familial cold autoinflammatory syndrome 3 (FCAS3). Also called: ANTIBODY DEFICIENCY AND IMMUNE DYSREGULATION, PLCG2-ASSOCIATED; FAMILIAL ATYPICAL COLD URTICARIA. Identifiers: Orphanet 300359, MedGen C3280914, MONDO:0013766, OMIM 614468.

Allele frequency attached by ClinVar (database versions not stated): gnomAD exomes below 0.00001; TOPMed 0.00002.
gnomAD v4.1: 7 of 1,561,474 alleles (0.00045%); highest among the groups gnomAD compares: East Asian, 0.0022%; no homozygotes.

Submission:

Labcorp Genetics (formerly Invitae), Labcorp
Classification: Uncertain significance for Familial cold autoinflammatory syndrome 3. Last evaluated: 2025-02-09. Review status: criteria provided, single submitter. Criteria: Invitae Variant Classification Sherloc (09022015). Collection method: clinical testing. Allele origin: germline.
Comment: This sequence change falls in intron 22 of the PLCG2 gene. It does not directly change the encoded amino acid sequence of the PLCG2 protein. It affects a nucleotide within the consensus splice site. This variant is present in population databases (rs371502079, gnomAD 0.007%). This variant has not been reported in the literature in individuals affected with PLCG2-related conditions. ClinVar contains an entry for this variant (Variation ID: 2042971). Variants that disrupt the consensus splice site are a relatively common cause of aberrant splicing (PMID: 17576681, 9536098). Algorithms developed to predict the effect of sequence changes on RNA splicing suggest that this variant is not likely to affect RNA splicing. In summary, the available evidence is currently insufficient to determine the role of this variant in disease. Therefore, it has been classified as a Variant of Uncertain Significance.

Literature cited by the submitters: PubMed 17576681; PubMed 9536098.

NM_002661.5(PLCG2):c.2417+6G>A

Gene: PLCG2 (phospholipase C gamma 2; plus strand). Cytogenetic location: 16q23.3.
Variant type: single nucleotide variant.
Coding change: c.2417+6G>A on transcript NM_002661.5 (MANE Select); 6 bases into the intron after coding-DNA position 2417, G replaced by A.
Molecular consequence: intron variant.
Genome position (GRCh38, 1-based): chr16:81,923,600, G>A. VCF-style: chr16-81923600-G-A. GRCh37 (hg19) VCF-style: chr16-81957205-G-A.
Identifiers: ClinVar variation 2042971 (VCV002042971.4), dbSNP rs371502079, ClinGen allele CA285172340.
Genomic context (GRCh38, chr16:81,923,600, plus strand): 5'-TGAGCTTCTGCCGTGGTGCCCTCATCCACAATGTCTCCAAGGAGCCCGGGGGCTGGTAAG[G>A]CTGAGTGGAGGCTGGGCTGCTCGGCAGGTGGGCTTGACTTGTCCCTTCTTGGTGATAAGA-3'